The following is an entry in ClinVar:

NM_003242.6(TGFBR2):c.823G>T (p.Ala275Ser)

Gene: TGFBR2 (transforming growth factor beta receptor 2; plus strand). Cytogenetic location: 3p24.1.
Variant type: single nucleotide variant.
Coding change: c.823G>T on transcript NM_003242.6 (MANE Select); coding-DNA position 823, G replaced by T.
Protein change: p.Ala275Ser; replaces alanine 275 with serine.
Molecular consequence: missense variant.
Genome position (GRCh38, 1-based): chr3:30,672,006, G>T. VCF-style: chr3-30672006-G-T. GRCh37 (hg19) VCF-style: chr3-30713498-G-T.
Other names: c.898G>T, p.Ala300Ser (NM_001024847.3); c.1006G>T, p.Ala336Ser (NM_001407126.1); c.931G>T, p.Ala311Ser (NM_001407127.1); c.850G>T, p.Ala284Ser (NM_001407128.1); c.826G>T, p.Ala276Ser (NM_001407129.1); c.823G>T, p.Ala275Ser (NM_001407130.1); c.718G>T, p.Ala240Ser (NM_001407132.1, NM_001407133.1, NM_001407134.1 and 2 more transcripts); c.538G>T, p.Ala180Ser (NM_001407137.1); and 1 more; short protein forms A275S, A300S, A240S, A276S, A155S, A180S, A311S, A336S.
Identifiers: ClinVar variation 1312647 (VCV001312647.4), dbSNP rs757521476, ClinGen allele CA049958.

ClinVar aggregate classification (germline): Uncertain significance. Review status: criteria provided, multiple submitters, no conflicts (2 of 4 stars). 2 submissions from 2 submitters: Uncertain significance (2). Last evaluated 2026-06-17.

Conditions:
Familial thoracic aortic aneurysm and aortic dissection (TAAD). Also called: Thoracic aortic aneurysms and dissections. Identifiers: Orphanet 91387, MedGen C4707243, MONDO:0019625.

Allele frequency attached by ClinVar (database versions not stated): ExAC 0.00001.

Submissions (2):

Ambry Genetics
Classification: Uncertain significance for Familial thoracic aortic aneurysm and aortic dissection. Last evaluated: 2026-06-17. Review status: criteria provided, single submitter. Criteria: Ambry Variant Classification Scheme 2023. Collection method: clinical testing. Allele origin: germline.

GeneDx
Classification: Uncertain significance. Last evaluated: 2020-11-18. Review status: criteria provided, single submitter. Criteria: GeneDx Variant Classification Process June 2021. Collection method: clinical testing. Allele origin: germline. Affected: yes.
Comment: Has not been previously published as pathogenic or benign to our knowledge; Not observed in large population cohorts (Lek et al., 2016); In silico analysis supports that this missense variant has a deleterious effect on protein structure/function